The following is an entry in ClinVar:

ClinVar aggregate classification (germline): Pathogenic/Likely pathogenic. Review status: criteria provided, multiple submitters, no conflicts (2 of 4 stars). 5 submissions from 5 submitters: Pathogenic (4); Likely pathogenic (1). Last evaluated 2025-06-20.

Conditions:
Plasma factor XI deficiency.
Hereditary factor XI deficiency disease. Also called: PLASMA THROMBOPLASTIN ANTECEDENT DEFICIENCY; PTA DEFICIENCY; ROSENTHAL SYNDROME; Congenital factor XI deficiency. Identifiers: Orphanet 329, MedGen C0015523, MeSH D005173, MONDO:0012897, OMIM 612416.

Allele frequency attached by ClinVar (database versions not stated): gnomAD exomes below 0.00001.

Submissions (5):

Natera, Inc.
Classification: Pathogenic for Plasma factor XI deficiency. Last evaluated: 2025-06-20. Review status: criteria provided, single submitter. Criteria: Natera Variant Classification Schema (03/2026). Collection method: clinical testing. Allele origin: germline.
Comment: The c.1204C>T variant in F11 is a nonsense variant predicted to introduce a stop codon at amino acid 402. This variant is expected to result in nonsense mediated decay, truncation, or a dysfunctional protein product. This variant is rare in the general population with a frequency below the threshold expected for the associated phenotype(s). This variant has been observed in one or more individuals affected with the associated recessive disease, as either homozygous or compound heterozygous with a second variant (PMID: 27067486). Given the available evidence, this variant is classified as Pathogenic.

Women's Health and Genetics/Laboratory Corporation of America, LabCorp
Classification: Pathogenic for Hereditary factor XI deficiency disease. Last evaluated: 2023-11-06. Review status: criteria provided, single submitter. Criteria: LabCorp Variant Classification Summary - May 2015. Collection method: clinical testing. Allele origin: germline.
Comment: Variant summary: F11 c.1204C>T (p.Gln402X) results in a premature termination codon, predicted to cause a truncation of the encoded protein or absence of the protein due to nonsense mediated decay, which are commonly known mechanisms for disease. The variant was absent in 251476 control chromosomes (gnomAD). c.1204C>T (also known as Q384*) has been reported in the literature in individuals affected with Hereditary factor XI deficiency disease (examples: Shao_2016 and Yuan_2021). These data indicate that the variant is likely to be associated with disease. To our knowledge, no experimental evidence demonstrating an impact on protein function has been reported. The following publications have been ascertained in the context of this evaluation (PMID: 27067486, 34776502). One submitter has cited clinical-significance assessments for this variant to ClinVar after 2014 and has classified the variant as likely pathogenic. Based on the evidence outlined above, the variant was classified as pathogenic.

Labcorp Genetics (formerly Invitae), Labcorp
Classification: Pathogenic. Last evaluated: 2023-09-26. Review status: criteria provided, single submitter. Criteria: Invitae Variant Classification Sherloc (09022015). Collection method: clinical testing. Allele origin: germline.
Comment: For these reasons, this variant has been classified as Pathogenic. Algorithms developed to predict the effect of sequence changes on RNA splicing suggest that this variant may create or strengthen a splice site. ClinVar contains an entry for this variant (Variation ID: 992721). This variant is also known as Q384*. This premature translational stop signal has been observed in individual(s) with autosomal recessive factor XI deficiency (PMID: 27067486). This variant is not present in population databases (gnomAD no frequency). This sequence change creates a premature translational stop signal (p.Gln402*) in the F11 gene. It is expected to result in an absent or disrupted protein product. Loss-of-function variants in F11 are known to be pathogenic (PMID: 23929304).

New York Genome Center
Classification: Likely pathogenic for Hereditary factor XI deficiency disease. Last evaluated: 2021-12-11. Review status: criteria provided, single submitter. Criteria: NYGC Assertion Criteria 2020. Collection method: clinical testing. Allele origin: germline. Observed: 1 heterozygote. Study: CSER-NYCKidSeq.

Juno Genomics, Hangzhou Juno Genomics, Inc
Classification: Pathogenic for Hereditary factor XI deficiency disease. Review status: criteria provided, single submitter. Criteria: ACMG Guidelines, 2015. Collection method: clinical testing. Allele origin: germline.
Comment: Absent from controls (or at extremely low frequency if recessive) in Genome Aggregation Database.;Null variant in a gene where loss of function (LOF) is a known mechanism of disease.;For recessive disorders, detected in trans with a pathogenic variant.;Patient's phenotype or family history is highly specific for a disease with a single genetic etiology.

Literature cited by the submitters: PubMed 27067486 (cited by 3 submitters); PubMed 34776502 (cited by Women's Health and Genetics/Laboratory Corporation of America, LabCorp); PubMed 23929304 (cited by Labcorp Genetics (formerly Invitae), Labcorp).

NM_000128.4(F11):c.1204C>T (p.Gln402Ter)

Gene: F11 (coagulation factor XI; plus strand). Cytogenetic location: 4q35.2.
Variant type: single nucleotide variant.
Coding change: c.1204C>T on transcript NM_000128.4 (MANE Select); coding-DNA position 1204, C replaced by T.
Protein change: p.Gln402Ter; replaces glutamine 402 with a stop codon.
Molecular consequence: nonsense.
Genome position (GRCh38, 1-based): chr4:186,284,160, C>T. VCF-style: chr4-186284160-C-T. GRCh37 (hg19) VCF-style: chr4-187205314-C-T.
Other names: short protein forms Q402*.
Identifiers: ClinVar variation 992721 (VCV000992721.9), dbSNP rs1741002305, ClinGen allele CA358941835.